The following is an entry in ClinVar:

NM_001458.5(FLNC):c.1723C>A (p.Arg575=)

Gene: FLNC (filamin C; plus strand). Cytogenetic location: 7q32.1.
Variant type: single nucleotide variant.
Coding change: c.1723C>A on transcript NM_001458.5 (MANE Select); coding-DNA position 1723, C replaced by A.
Protein change: p.Arg575=; no amino-acid change (arginine 575 retained).
Molecular consequence: synonymous variant.
Genome position (GRCh38, 1-based): chr7:128,840,880, C>A. VCF-style: chr7-128840880-C-A. GRCh37 (hg19) VCF-style: chr7-128480934-C-A.
Other names: c.1723C>A, p.Arg575= (NM_001127487.2).
Identifiers: ClinVar variation 2033965 (VCV002033965.4), dbSNP rs761117952, ClinGen allele CA457846604.

ClinVar aggregate classification (germline): Uncertain significance (1 of 4 stars; one submission).

Conditions:
Myofibrillar myopathy 5. Also called: Filaminopathy (type); FILAMINOPATHY, AUTOSOMAL DOMINANT. Identifiers: Orphanet 171445, MedGen C1836050, MONDO:0012289, OMIM 609524.
Distal myopathy with posterior leg and anterior hand involvement. Also called: WILLIAMS DISTAL MYOPATHY. Identifiers: Orphanet 63273, MedGen C3279722, MONDO:0013550, OMIM 614065.
Hypertrophic cardiomyopathy 26. Also called: Cardiomyopathy, familial hypertrophic, 26. Identifiers: Orphanet 75249, MedGen C4310749, MONDO:0014883, OMIM 617047.

Submission:

Labcorp Genetics (formerly Invitae), Labcorp
Classification: Uncertain significance for Distal myopathy with posterior leg and anterior hand involvement; Myofibrillar myopathy 5; Hypertrophic cardiomyopathy 26. Last evaluated: 2022-10-04. Review status: criteria provided, single submitter. Criteria: Invitae Variant Classification Sherloc (09022015). Collection method: clinical testing. Allele origin: germline.
Comment: In summary, the available evidence is currently insufficient to determine the role of this variant in disease. Therefore, it has been classified as a Variant of Uncertain Significance. Algorithms developed to predict the effect of sequence changes on RNA splicing suggest that this variant may disrupt the consensus splice site. This variant has not been reported in the literature in individuals affected with FLNC-related conditions. This variant is not present in population databases (gnomAD no frequency). This sequence change affects codon 575 of the FLNC mRNA. It is a 'silent' change, meaning that it does not change the encoded amino acid sequence of the FLNC protein.